The following is an entry in ClinVar:

NM_016507.4(CDK12):c.1982G>A (p.Arg661Lys)

Gene: CDK12 (cyclin dependent kinase 12; plus strand). Cytogenetic location: 17q12.
Variant type: single nucleotide variant.
Coding change: c.1982G>A on transcript NM_016507.4 (MANE Select); coding-DNA position 1982, G replaced by A.
Protein change: p.Arg661Lys; replaces arginine 661 with lysine.
Molecular consequence: missense variant.
Genome position (GRCh38, 1-based): chr17:39,490,607, G>A. VCF-style: chr17-39490607-G-A. GRCh37 (hg19) VCF-style: chr17-37646860-G-A.
Other names: c.1982G>A, p.Arg661Lys (NM_015083.4); short protein forms R661K.
Identifiers: ClinVar variation 4825940 (VCV004825940.1).

ClinVar aggregate classification (germline): Uncertain significance (1 of 4 stars; one submission).

Submission:

Ambry Genetics
Classification: Uncertain significance. Last evaluated: 2026-03-01. Review status: criteria provided, single submitter. Criteria: Ambry Variant Classification Scheme 2023. Collection method: clinical testing. Allele origin: germline.
Comment: The p.R661K variant (also known as c.1982G>A), located in coding exon 3 of the CDK12 gene, results from a G to A substitution at nucleotide position 1982. The arginine at codon 661 is replaced by lysine, an amino acid with highly similar properties. This amino acid position is conserved. In addition, this alteration is predicted to be tolerated by in silico analysis. Based on the available evidence, the clinical significance of this variant remains unclear.